The following is an entry in ClinVar:

NM_004991.4(MECOM):c.628C>T (p.Arg210Cys)

Gene: MECOM (MDS1 and EVI1 complex locus; minus strand). Cytogenetic location: 3q26.2.
Variant type: single nucleotide variant.
Coding change: c.628C>T on transcript NM_004991.4 (MANE Select); coding-DNA position 628, C replaced by T.
Protein change: p.Arg210Cys; replaces arginine 210 with cysteine.
Molecular consequence: missense variant.
Genome position (GRCh38, 1-based): chr3:169,128,046, G>A on the plus strand (C>T on the coding strand, the complement: MECOM is on the minus strand). VCF-style: chr3-169128046-G-A. GRCh37 (hg19) VCF-style: chr3-168845834-G-A.
Other names: c.256C>T, p.Arg86Cys (NM_001105077.4); c.64C>T, p.Arg22Cys (NM_001105078.4, NM_001366474.2, NM_005241.4 and 9 more transcripts); c.628C>T, p.Arg210Cys (NM_001366473.2, NM_001366466.2); short protein forms R210C, R22C, R86C.
Identifiers: ClinVar variation 4105884 (VCV004105884.1), dbSNP rs149892422.
Genomic context (GRCh38, chr3:169,128,046, plus strand): 5'-ACTTTTGGTGATCTGCTAGTTCAGCCTTAGATTCAAAGAGCTGGTCACAGTCTTCGCAGC[G>A]ATATTGCCGTTCTTCTGTGAAAACAATTCAGGTGTTAGGATTGGGTGGTCAGGAATTGCC-3'
Protein context (NP_004982.2, residues 200-220): APDIHEERQY[Arg210Cys]CEDCDQLFES

ClinVar aggregate classification (germline): Uncertain significance (1 of 4 stars; one submission).

Conditions:
Inborn genetic diseases. Identifiers: MedGen C0950123, MeSH D030342.

gnomAD v4.1: 12 of 1,613,822 alleles (0.00074%); highest among the groups gnomAD compares: South Asian, 0.0011%; no homozygotes.

Submission:

Ambry Genetics
Classification: Uncertain significance for Inborn genetic diseases. Last evaluated: 2025-08-30. Review status: criteria provided, single submitter. Criteria: Ambry Variant Classification Scheme 2023. Collection method: clinical testing. Allele origin: germline.
Comment: The p.R210C variant (also known as c.628C>T), located in coding exon 5 of the MECOM gene, results from a C to T substitution at nucleotide position 628. The arginine at codon 210 is replaced by cysteine, an amino acid with highly dissimilar properties. This amino acid position is conserved. In addition, the in silico prediction for this alteration is inconclusive. Based on the available evidence, the clinical significance of this variant remains unclear.